The following is an entry in ClinVar:

NM_002294.3(LAMP2):c.190_191del (p.Val64fs)

Gene: LAMP2 (lysosome associated membrane protein 2; minus strand). Cytogenetic location: Xq24.
Variant type: Deletion.
Coding change: c.190_191del on transcript NM_002294.3 (MANE Select); coding-DNA positions 190 to 191, 2 bases deleted (GT; older notation c.190_191delGT).
Protein change: p.Val64fs; shifts the reading frame from valine 64.
Molecular consequence: frameshift variant.
Genome position (GRCh38, 1-based): chrX:120,455,563-120,455,564, AC deleted on the plus strand (GT on the coding strand, the reverse complement: LAMP2 is on the minus strand); deleting any 2 consecutive bases within chrX:120,455,563-120,455,565 gives the same sequence; the c. name uses the placement nearest the transcript's 3' end. VCF-style (leftmost placement, unchanged base first): chrX-120455562-TAC-T. GRCh37 (hg19) VCF-style: chrX-119589417-TAC-T.
Other names: c.190_191del, p.Val64fs (NM_001122606.1, NM_013995.2); short protein forms V64fs.
Identifiers: ClinVar variation 635277 (VCV000635277.12), dbSNP rs1569371330, ClinGen allele CA913190919.

ClinVar aggregate classification (germline): Pathogenic/Likely pathogenic. Review status: criteria provided, multiple submitters, no conflicts (2 of 4 stars). 3 submissions from 3 submitters: Pathogenic (1); Likely pathogenic (1). 1 of the submissions does not count toward it. Last evaluated 2022-02-09.

Conditions:
LAMP2-related disorders.
Danon disease. Also called: ANTOPOL DISEASE; Glycogen Storage Disease Type IIb; PSEUDOGLYCOGENOSIS II; GSD IIb; LYSOSOMAL GLYCOGEN STORAGE DISEASE WITHOUT ACID MALTASE DEFICIENCY. Identifiers: Orphanet 34587, MedGen C0878677, MONDO:0010281, OMIM 300257.

Submissions (3):

Labcorp Genetics (formerly Invitae), Labcorp
Classification: Pathogenic for Danon disease. Last evaluated: 2022-02-09. Review status: criteria provided, single submitter. Criteria: Invitae Variant Classification Sherloc (09022015). Collection method: clinical testing. Allele origin: germline.
Comment: For these reasons, this variant has been classified as Pathogenic. ClinVar contains an entry for this variant (Variation ID: 635277). This premature translational stop signal has been observed in individual(s) with Danon disease (PMID: 23955649). This variant is not present in population databases (gnomAD no frequency). This sequence change creates a premature translational stop signal (p.Val64Asnfs*11) in the LAMP2 gene. It is expected to result in an absent or disrupted protein product. Loss-of-function variants in LAMP2 are known to be pathogenic (PMID: 21415759).

Blueprint Genetics
Classification: Likely pathogenic for LAMP2-related disorders. Last evaluated: 2018-02-14. Review status: criteria provided, single submitter. Criteria: ACMG Guidelines, 2015. Collection method: clinical testing. Allele origin: germline. Affected: yes. Observed: 1 variant allele.

Cytoplasmic Inheritance Laboratory, Institute of Genetics and Cytology
Classification: Likely pathogenic for Danon disease. Last evaluated: 2019-06-02. Review status: no assertion criteria provided. Collection method: clinical testing. Allele origin: germline. Inheritance: Autosomal dominant inheritance. Affected: yes. Observed: 1 heterozygote. Not counted in ClinVar's aggregate classification.
Comment: The variant is absent in publicly available population databases (gnomAD, 1000Genomes). NM_002294.2:c.190_191delAC creates a premature stop codon at position 11 of the new reading frame - p.V64NfsX11. It means the truncated protein lacks the transmembrane domain, cytosolic tail and most part of the luminal domain. Such rearrangement will lead to loss of function of LAMP2.

Literature cited by the submitters: PubMed 23955649 (cited by Labcorp Genetics (formerly Invitae), Labcorp); PubMed 21415759 (cited by Labcorp Genetics (formerly Invitae), Labcorp).